The following is an entry in ClinVar:

ClinVar aggregate classification (germline): Uncertain significance (1 of 4 stars; one submission).

Conditions:
Familial sleep-related hypermotor epilepsy. Also called: Autosomal Dominant Sleep-Related Hypermotor (Hyperkinetic) Epilepsy. Identifiers: Orphanet 98784, MedGen C3696898, MONDO:0000030.

Submission:

Labcorp Genetics (formerly Invitae), Labcorp
Classification: Uncertain significance. Last evaluated: 2025-06-18. Review status: criteria provided, single submitter. Criteria: Invitae Variant Classification Sherloc (09022015). Collection method: clinical testing. Allele origin: germline.
Comment: This sequence change replaces aspartic acid, which is acidic and polar, with valine, which is neutral and non-polar, at codon 486 of the CHRNA2 protein (p.Asp486Val). This variant is not present in population databases (gnomAD no frequency). This variant has not been reported in the literature in individuals affected with CHRNA2-related conditions. Invitae Evidence Modeling of protein sequence and biophysical properties (such as structural, functional, and spatial information, amino acid conservation, physicochemical variation, residue mobility, and thermodynamic stability) indicates that this missense variant is not expected to disrupt CHRNA2 protein function with a negative predictive value of 80%. In summary, the available evidence is currently insufficient to determine the role of this variant in disease. Therefore, it has been classified as a Variant of Uncertain Significance.

NM_000742.4(CHRNA2):c.1457A>T (p.Asp486Val)

Gene: CHRNA2 (cholinergic receptor nicotinic alpha 2 subunit; minus strand). Cytogenetic location: 8p21.2.
Variant type: single nucleotide variant.
Coding change: c.1457A>T on transcript NM_000742.4 (MANE Select); coding-DNA position 1457, A replaced by T.
Protein change: p.Asp486Val; replaces aspartic acid 486 with valine.
Molecular consequence: missense variant.
Genome position (GRCh38, 1-based): chr8:27,462,986, T>A on the plus strand (A>T on the coding strand, the complement: CHRNA2 is on the minus strand). VCF-style: chr8-27462986-T-A. GRCh37 (hg19) VCF-style: chr8-27320503-T-A.
Other names: c.1412A>T, p.Asp471Val (NM_001282455.2); c.980A>T, p.Asp327Val (NM_001347705.2, NM_001347706.2); c.863A>T, p.Asp288Val (NM_001347707.2, NM_001347708.2); short protein forms D486V, D288V, D327V, D471V.
Identifiers: ClinVar variation 4738318 (VCV004738318.1).